The following is an entry in ClinVar:

NM_018249.6(CDK5RAP2):c.2561A>C (p.Glu854Ala)

Gene: CDK5RAP2 (CDK5 regulatory subunit associated protein 2; minus strand). Cytogenetic location: 9q33.2.
Variant type: single nucleotide variant.
Coding change: c.2561A>C on transcript NM_018249.6 (MANE Select); coding-DNA position 2561, A replaced by C.
Protein change: p.Glu854Ala; replaces glutamic acid 854 with alanine.
Molecular consequence: missense variant. On other transcripts: non-coding transcript variant (5), intron variant (1).
Genome position (GRCh38, 1-based): chr9:120,453,688, T>G on the plus strand (A>C on the coding strand, the complement: CDK5RAP2 is on the minus strand). VCF-style: chr9-120453688-T-G. GRCh37 (hg19) VCF-style: chr9-123215966-T-G.
Other names: c.2561A>C, p.Glu854Ala (NM_001011649.3); c.2462A>C, p.Glu821Ala (NM_001410992.1); c.2465A>C, p.Glu822Ala (NM_001410993.1); c.2558A>C, p.Glu853Ala (NM_001410994.1); c.2104-5562A>C (NM_001272039.2); short protein forms E853A, E822A, E854A, E821A.
Identifiers: ClinVar variation 2979414 (VCV002979414.3), dbSNP rs773694281, ClinGen allele CA5214043.

ClinVar aggregate classification (germline): Uncertain significance (1 of 4 stars; one submission).

Allele frequency attached by ClinVar (database versions not stated): ExAC 0.00001; gnomAD 0.00001; gnomAD exomes 0.00001.
gnomAD v4.1: 15 of 1,614,116 alleles (0.00093%); highest among the groups gnomAD compares: Middle Eastern, 0.049%; no homozygotes.

Submission:

Labcorp Genetics (formerly Invitae), Labcorp
Classification: Uncertain significance. Last evaluated: 2023-07-26. Review status: criteria provided, single submitter. Criteria: Invitae Variant Classification Sherloc (09022015). Collection method: clinical testing. Allele origin: germline.
Comment: In summary, the available evidence is currently insufficient to determine the role of this variant in disease. Therefore, it has been classified as a Variant of Uncertain Significance. An algorithm developed to predict the effect of missense changes on protein structure and function (PolyPhen-2) suggests that this variant is likely to be tolerated. This variant has not been reported in the literature in individuals affected with CDK5RAP2-related conditions. This variant is present in population databases (rs773694281, gnomAD 0.002%). This sequence change replaces glutamic acid, which is acidic and polar, with alanine, which is neutral and non-polar, at codon 854 of the CDK5RAP2 protein (p.Glu854Ala).